The following is an entry in ClinVar:

NM_001083614.2(EARS2):c.719del (p.Gly240fs)

Gene: EARS2 (glutamyl-tRNA synthetase 2, mitochondrial; minus strand). Cytogenetic location: 16p12.2.
Variant type: Deletion.
Coding change: c.719del on transcript NM_001083614.2 (MANE Select); coding-DNA position 719, one base deleted (G; older notation c.719delG).
Protein change: p.Gly240fs; shifts the reading frame from glycine 240.
Molecular consequence: frameshift variant. On other transcripts: non-coding transcript variant (1).
Genome position (GRCh38, 1-based): chr16:23,535,127, C deleted on the plus strand (G on the coding strand, the reverse complement: EARS2 is on the minus strand); the first of 3 consecutive C bases (chr16:23,535,127-23,535,129); deleting any one gives the same sequence. VCF-style (leftmost placement, unchanged base first): chr16-23535126-GC-G. GRCh37 (hg19) VCF-style: chr16-23546447-GC-G.
Other names: c.719del, p.Gly240fs (NM_001308211.1); short protein forms G240fs.
Identifiers: ClinVar variation 3731523 (VCV003731523.1).

ClinVar aggregate classification (germline): Likely pathogenic (1 of 4 stars; one submission).

Conditions:
Leukoencephalopathy-thalamus and brainstem anomalies-high lactate syndrome. Also called: LEUKOENCEPHALOPATHY WITH THALAMUS AND BRAINSTEM INVOLVEMENT AND HIGH LACTATE; Combined oxidative phosphorylation deficiency 12. Identifiers: Orphanet 314051, MedGen C4706421, MONDO:0013971, OMIM 614924.

Submission:

Neuberg Centre For Genomic Medicine, NCGM
Classification: Likely pathogenic for Leukoencephalopathy-thalamus and brainstem anomalies-high lactate syndrome. Review status: criteria provided, single submitter. Criteria: ACMG Guidelines, 2015. Collection method: clinical testing. Allele origin: germline. Inheritance: Autosomal recessive inheritance. Affected: yes.
Comment: The frameshift c.719del (p.Gly240AlafsTer91) variant in EARS2 gene has not been previously reported as pathogenic variant nor as a benign variant, to our knowledge. The p.Gly240AlafsTer91 variant is present with allele frequency of 0.003% in gnomAD Exomes. This variant has not been submitted to the ClinVar database. This variant causes a frameshift starting with codon Glycine 240, changes this amino acid to Alanine residue, and creates a premature Stop codon at position 91 of the new reading frame, denoted p.Gly240AlafsTer91. This variant is predicted to cause loss of normal protein function through protein truncation. Loss of function variants have been previously reported to be disease causing. However, additional functional studies will be required to prove the pathogenicity of this variant. For these reasons, this variant has been classified as Likely Pathogenic. In absence of another reportable variant in EARS2 gene, the molecular diagnosis is not confirmed.